The following is an entry in ClinVar:

NM_001009944.3(PKD1):c.2431C>T (p.Leu811Phe)

Gene: PKD1 (polycystin 1, transient receptor potential channel interacting; minus strand). Cytogenetic location: 16p13.3.
Variant type: single nucleotide variant.
Coding change: c.2431C>T on transcript NM_001009944.3 (MANE Select); coding-DNA position 2431, C replaced by T.
Protein change: p.Leu811Phe; replaces leucine 811 with phenylalanine.
Molecular consequence: missense variant.
Genome position (GRCh38, 1-based): chr16:2,114,592, G>A on the plus strand (C>T on the coding strand, the complement: PKD1 is on the minus strand). VCF-style: chr16-2114592-G-A. GRCh37 (hg19) VCF-style: chr16-2164593-G-A.
Other names: c.2431C>T, p.Leu811Phe (NM_000296.4); short protein forms L811F.
Identifiers: ClinVar variation 3367243 (VCV003367243.1).

ClinVar aggregate classification (germline): Uncertain significance (1 of 4 stars; one submission).

gnomAD v4.1: 2 of 1,591,862 alleles (0.00013%); highest among the groups gnomAD compares: African/African-American, 0.0027%; no homozygotes.

Submission:

GeneDx
Classification: Uncertain significance. Last evaluated: 2024-01-04. Review status: criteria provided, single submitter. Criteria: GeneDx Variant Classification Process June 2021. Collection method: clinical testing. Allele origin: germline. Affected: yes.
Comment: Not observed at significant frequency in large population cohorts (gnomAD); In silico analysis supports that this missense variant does not alter protein structure/function; Has not been previously published as pathogenic or benign to our knowledge